The following is an entry in ClinVar:

ClinVar aggregate classification (germline): Uncertain significance (1 of 4 stars; one submission).

Allele frequency attached by ClinVar (database versions not stated): ExAC 0.00005.
gnomAD v4.1: 2 of 1,551,972 alleles (0.00013%); highest among the groups gnomAD compares: East Asian, 0.0024%; no homozygotes.

Submission:

Labcorp Genetics (formerly Invitae), Labcorp
Classification: Uncertain significance. Last evaluated: 2023-05-22. Review status: criteria provided, single submitter. Criteria: Invitae Variant Classification Sherloc (09022015). Collection method: clinical testing. Allele origin: germline.
Comment: This sequence change replaces asparagine, which is neutral and polar, with isoleucine, which is neutral and non-polar, at codon 353 of the DTHD1 protein (p.Asn353Ile). This variant is present in population databases (rs770529433, gnomAD 0.01%). This variant has not been reported in the literature in individuals affected with DTHD1-related conditions. An algorithm developed to predict the effect of missense changes on protein structure and function (PolyPhen-2) suggests that this variant is likely to be disruptive. In summary, the available evidence is currently insufficient to determine the role of this variant in disease. Therefore, it has been classified as a Variant of Uncertain Significance.

NM_001170700.3(DTHD1):c.1928A>T (p.Asn643Ile)

Gene: DTHD1 (death domain containing 1; plus strand). Cytogenetic location: 4p14.
Variant type: single nucleotide variant.
Coding change: c.1928A>T on transcript NM_001170700.3 (MANE Select); coding-DNA position 1928, A replaced by T.
Protein change: p.Asn643Ile; replaces asparagine 643 with isoleucine.
Molecular consequence: missense variant. On other transcripts: non-coding transcript variant (2).
Genome position (GRCh38, 1-based): chr4:36,308,326, A>T. VCF-style: chr4-36308326-A-T. GRCh37 (hg19) VCF-style: chr4-36309948-A-T.
Other names: c.1058A>T, p.Asn353Ile (NM_001136536.5); c.995A>T, p.Asn332Ile (NM_001378435.1); short protein forms N332I, N353I, N643I.
Identifiers: ClinVar variation 2703828 (VCV002703828.3), dbSNP rs770529433, ClinGen allele CA2885687.